The following is an entry in ClinVar:

ClinVar aggregate classification (germline): Pathogenic. Review status: criteria provided, single submitter (1 of 4 stars). 2 submissions from 2 submitters: Pathogenic (1). 1 of the submissions does not count toward it. Last evaluated 2024-06-12.

Conditions:
Cohen syndrome (COH1). Also called: Cutis verticis gyrata, retinitis pigmentosa, and sensorineural deafness; PEPPER SYNDROME. Identifiers: Orphanet 193, MedGen C0265223, MONDO:0008999, OMIM 216550.

Submissions (2):

Labcorp Genetics (formerly Invitae), Labcorp
Classification: Pathogenic for Cohen syndrome. Last evaluated: 2024-06-12. Review status: criteria provided, single submitter. Criteria: Invitae Variant Classification Sherloc (09022015). Collection method: clinical testing. Allele origin: germline.
Comment: This sequence change creates a premature translational stop signal (p.Gln2132*) in the VPS13B gene. It is expected to result in an absent or disrupted protein product. Loss-of-function variants in VPS13B are known to be pathogenic (PMID: 15141358, 16648375, 20461111). This variant is not present in population databases (gnomAD no frequency). This variant has not been reported in the literature in individuals affected with VPS13B-related conditions. ClinVar contains an entry for this variant (Variation ID: 370438). For these reasons, this variant has been classified as Pathogenic.

Counsyl
Classification: Likely pathogenic for Cohen syndrome. Last evaluated: 2016-02-09. Review status: no assertion criteria provided. Collection method: clinical testing. Allele origin: unknown. Not counted in ClinVar's aggregate classification.

Literature cited by the submitters: PubMed 15141358 (cited by Labcorp Genetics (formerly Invitae), Labcorp); PubMed 16648375 (cited by Labcorp Genetics (formerly Invitae), Labcorp); PubMed 20461111 (cited by Labcorp Genetics (formerly Invitae), Labcorp).

NM_152564.5(VPS13B):c.6319C>T (p.Gln2107Ter)

Gene: VPS13B (vacuolar protein sorting 13 homolog B; plus strand). Cytogenetic location: 8q22.2.
Variant type: single nucleotide variant.
Coding change: c.6319C>T on transcript NM_152564.5 (MANE Select); coding-DNA position 6319, C replaced by T.
Protein change: p.Gln2107Ter; replaces glutamine 2107 with a stop codon.
Molecular consequence: nonsense.
Genome position (GRCh38, 1-based): chr8:99,699,797, C>T. VCF-style: chr8-99699797-C-T. GRCh37 (hg19) VCF-style: chr8-100712025-C-T.
Other names: c.6394C>T, p.Gln2132Ter (NM_017890.5); short protein forms Q2107*, Q2132*.
Identifiers: ClinVar variation 370438 (VCV000370438.5), dbSNP rs1057516489, ClinGen allele CA16041242.
Genomic context (GRCh38, chr8:99,699,797, plus strand): 5'-GGTGATGGAGTGCAAAAGATTTCAGCTCAAGAAAACATGTGGAGAGCTGTTTCCTGCTTT[C>T]AAAAAATTTCTGTTCAAACTACTCAGATTGTGATCTCCATGGAAACTGTACCCCATACCA-3'